The following is an entry in ClinVar:

ClinVar aggregate classification (germline): Uncertain significance. Review status: criteria provided, multiple submitters, no conflicts (2 of 4 stars). 3 submissions from 3 submitters: Uncertain significance (3). Last evaluated 2024-12-09.

Conditions:
Mendelian susceptibility to mycobacterial diseases due to complete IL12RB1 deficiency. Also called: IL12RB1 DEFICIENCY; Immunodeficiency 30. Identifiers: Orphanet 319552, MedGen C4013949, MONDO:0013955, OMIM 614891.

Allele frequency attached by ClinVar (database versions not stated): TOPMed 0.00084; gnomAD exomes 0.00004 and 0.00011; ExAC 0.00020; gnomAD 0.00060; ESP Exome Variant Server 0.00083; 1000 Genomes Project 30x 0.00156; 1000 Genomes Project 0.00120.
gnomAD v4.1: 155 of 1,599,080 alleles (0.0097%); highest among the groups gnomAD compares: African/African-American, 0.17%; no homozygotes.

Submissions (3):

Labcorp Genetics (formerly Invitae), Labcorp
Classification: Uncertain significance for Mendelian susceptibility to mycobacterial diseases due to complete IL12RB1 deficiency. Last evaluated: 2024-12-09. Review status: criteria provided, single submitter. Criteria: Invitae Variant Classification Sherloc (09022015). Collection method: clinical testing. Allele origin: germline.
Comment: This sequence change replaces isoleucine, which is neutral and non-polar, with phenylalanine, which is neutral and non-polar, at codon 590 of the IL12RB1 protein (p.Ile590Phe). This variant is present in population databases (rs186935027, gnomAD 0.1%). This variant has not been reported in the literature in individuals affected with IL12RB1-related conditions. ClinVar contains an entry for this variant (Variation ID: 541819). Invitae Evidence Modeling of protein sequence and biophysical properties (such as structural, functional, and spatial information, amino acid conservation, physicochemical variation, residue mobility, and thermodynamic stability) indicates that this missense variant is not expected to disrupt IL12RB1 protein function with a negative predictive value of 80%. In summary, the available evidence is currently insufficient to determine the role of this variant in disease. Therefore, it has been classified as a Variant of Uncertain Significance.

New York Genome Center
Classification: Uncertain significance for Mendelian susceptibility to mycobacterial diseases due to complete IL12RB1 deficiency. Last evaluated: 2020-07-17. Review status: criteria provided, single submitter. Criteria: NYGC Assertion Criteria 2020. Collection method: clinical testing. Allele origin: germline. Observed: 1 heterozygote. Study: CSER-NYCKidSeq.

Illumina Laboratory Services, Illumina
Classification: Uncertain significance for Mendelian susceptibility to mycobacterial diseases due to complete IL12RB1 deficiency. Last evaluated: 2018-01-12. Review status: criteria provided, single submitter. Criteria: ICSL Variant Classification Criteria 13 December 2019. Collection method: clinical testing. Allele origin: germline.

NM_005535.3(IL12RB1):c.1768A>T (p.Ile590Phe)

Gene: IL12RB1 (interleukin 12 receptor subunit beta 1; minus strand). Cytogenetic location: 19p13.11.
Variant type: single nucleotide variant.
Coding change: c.1768A>T on transcript NM_005535.3 (MANE Select); coding-DNA position 1768, A replaced by T.
Protein change: p.Ile590Phe; replaces isoleucine 590 with phenylalanine.
Molecular consequence: missense variant.
Genome position (GRCh38, 1-based): chr19:18,061,145, T>A on the plus strand (A>T on the coding strand, the complement: IL12RB1 is on the minus strand). VCF-style: chr19-18061145-T-A. GRCh37 (hg19) VCF-style: chr19-18171955-T-A.
Other names: c.1768A>T, p.Ile590Phe (NM_001290023.2); c.1888A>T, p.Ile630Phe (NM_001290024.2); short protein forms I590F, I630F.
Identifiers: ClinVar variation 541819 (VCV000541819.12), dbSNP rs186935027, ClinGen allele CA9304696.
Genomic context (GRCh38, chr19:18,061,145, plus strand): 5'-CAATAAAAAGACTTGGAATTAGAAAAGGCATCCTTACCTCCTTCCCTCCAGGGAACTCAA[T>A]GGCGGAGCTGGCACAGGGTGTGGGCAGCGGCGGGCACAGGTGCCGTGCGGCCCTGGGGAG-3'
Protein context (NP_005526.1, residues 580-600): PLPTPCASSA[Ile590Phe]EFPGGKETWQ